The following is an entry in ClinVar:

NM_001365999.1(SZT2):c.6007C>T (p.Arg2003Cys)

Gene: SZT2 (SZT2 subunit of KICSTOR complex; plus strand). Cytogenetic location: 1p34.2.
Variant type: single nucleotide variant.
Coding change: c.6007C>T on transcript NM_001365999.1 (MANE Select); coding-DNA position 6007, C replaced by T.
Protein change: p.Arg2003Cys; replaces arginine 2003 with cysteine.
Molecular consequence: missense variant.
Genome position (GRCh38, 1-based): chr1:43,435,302, C>T. VCF-style: chr1-43435302-C-T. GRCh37 (hg19) VCF-style: chr1-43900973-C-T.
Other names: c.5836C>T, p.Arg1946Cys (NM_015284.4); short protein forms R2003C, R1946C.
Identifiers: ClinVar variation 857378 (VCV000857378.9), dbSNP rs747986820, ClinGen allele CA809760.

ClinVar aggregate classification (germline): Uncertain significance. Review status: criteria provided, multiple submitters, no conflicts (2 of 4 stars). 3 submissions from 3 submitters: Uncertain significance (3). Last evaluated 2025-12-08.

Conditions:
Inborn genetic diseases. Identifiers: MedGen C0950123, MeSH D030342.

Allele frequency attached by ClinVar (database versions not stated): ExAC 0.00002; gnomAD exomes 0.00004; TOPMed 0.00004; gnomAD 0.00005.
gnomAD v4.1: 73 of 1,614,106 alleles (0.0045%); highest among the groups gnomAD compares: Non-Finnish European, 0.0056%; no homozygotes.

Submissions (3):

Ambry Genetics
Classification: Uncertain significance for Inborn genetic diseases. Last evaluated: 2025-12-08. Review status: criteria provided, single submitter. Criteria: Ambry Variant Classification Scheme 2023. Collection method: clinical testing. Allele origin: germline.
Comment: The c.5836C>T (p.R1946C) alteration is located in exon 41 (coding exon 41) of the SZT2 gene. This alteration results from a C to T substitution at nucleotide position 5836, causing the arginine (R) at amino acid position 1946 to be replaced by a cysteine (C). Based on data from gnomAD, the T allele has an overall frequency of 0.004% (10/251326) total alleles studied. The highest observed frequency was 0.016% (1/6140) of Other alleles. Based on insufficient or conflicting evidence, the clinical significance of this alteration remains unclear.

Blueprint Genetics
Classification: Uncertain significance. Last evaluated: 2024-07-11. Review status: criteria provided, single submitter. Criteria: ACMG Guidelines, 2015. Collection method: clinical testing. Allele origin: germline.

Labcorp Genetics (formerly Invitae), Labcorp
Classification: Uncertain significance. Last evaluated: 2022-08-23. Review status: criteria provided, single submitter. Criteria: Invitae Variant Classification Sherloc (09022015). Collection method: clinical testing. Allele origin: germline.
Comment: This sequence change replaces arginine, which is basic and polar, with cysteine, which is neutral and slightly polar, at codon 1946 of the SZT2 protein (p.Arg1946Cys). This variant is present in population databases (rs747986820, gnomAD 0.008%). This variant has not been reported in the literature in individuals affected with SZT2-related conditions. ClinVar contains an entry for this variant (Variation ID: 857378). Algorithms developed to predict the effect of missense changes on protein structure and function are either unavailable or do not agree on the potential impact of this missense change (SIFT: "Deleterious"; PolyPhen-2: "Probably Damaging"; Align-GVGD: "Class C15"). In summary, the available evidence is currently insufficient to determine the role of this variant in disease. Therefore, it has been classified as a Variant of Uncertain Significance.